The following is an entry in ClinVar:

NM_001136157.2(OTUD5):c.1511C>T (p.Pro504Leu)

Gene: OTUD5 (OTU deubiquitinase 5; minus strand). Cytogenetic location: Xp11.23.
Variant type: single nucleotide variant.
Coding change: c.1511C>T on transcript NM_001136157.2 (MANE Select); coding-DNA position 1511, C replaced by T.
Protein change: p.Pro504Leu; replaces proline 504 with leucine.
Molecular consequence: missense variant.
Genome position (GRCh38, 1-based): chrX:48,923,701, G>A on the plus strand (C>T on the coding strand, the complement: OTUD5 is on the minus strand). VCF-style: chrX-48923701-G-A. GRCh37 (hg19) VCF-style: chrX-48780978-G-A.
Other names: c.1511C>T, p.Pro504Leu (NM_001136158.2); c.860C>T, p.Pro287Leu (NM_001136159.2); c.1526C>T, p.Pro509Leu (NM_017602.4); c.1526C>T (NM_017602.3); short protein forms P287L, P504L, P509L.
Identifiers: ClinVar variation 1710154 (VCV001710154.3), dbSNP rs2519709235, ClinGen allele CA412906266.

ClinVar aggregate classification (germline): Uncertain significance. Review status: criteria provided, single submitter (1 of 4 stars). 2 submissions from 2 submitters: Uncertain significance (1). 1 of the submissions does not count toward it. Last evaluated 2023-11-20.

Conditions:
Multiple congenital anomalies-neurodevelopmental syndrome, X-linked. Also called: LINKED SYNDROME. Identifiers: MedGen C5542341, MONDO:0025351, OMIM 301056.

Submissions (2):

GeneDx
Classification: Uncertain significance. Last evaluated: 2023-11-20. Review status: criteria provided, single submitter. Criteria: GeneDx Variant Classification Process June 2021. Collection method: clinical testing. Allele origin: germline. Affected: yes.
Comment: Not observed at significant frequency in large population cohorts (gnomAD); In silico analysis supports that this missense variant has a deleterious effect on protein structure/function; This variant is associated with the following publications: (PMID: 36879111)

Laboratory of Medical Genetics, University of Torino
Classification: Uncertain significance for Multiple congenital anomalies-neurodevelopmental syndrome, X-linked. Last evaluated: 2022-10-09. Review status: no assertion criteria provided. Collection method: research. Allele origin: maternal. Affected: yes. Not counted in ClinVar's aggregate classification.

Literature cited by the submitters: PubMed 33523931 (cited by Laboratory of Medical Genetics, University of Torino).